The following is an entry in ClinVar:

NM_005993.5(TBCD):c.2880T>C (p.Ser960=)

Gene: TBCD (tubulin folding cofactor D). Cytogenetic location: 17q25.3.
Variant type: single nucleotide variant.
Coding change: c.2880T>C on transcript NM_005993.5 (MANE Select); coding-DNA position 2880, T replaced by C.
Protein change: p.Ser960=; no amino-acid change (serine 960 retained).
Molecular consequence: synonymous variant.
Genome position (GRCh38, 1-based): chr17:82,929,389, T>C. VCF-style: chr17-82929389-T-C. GRCh37 (hg19) VCF-style: chr17-80887265-T-C.
Identifiers: ClinVar variation 762424 (VCV000762424.27), dbSNP rs766417147, ClinGen allele CA8863290.

ClinVar aggregate classification (germline): Likely benign. Review status: criteria provided, multiple submitters, no conflicts (2 of 4 stars). 2 submissions from 2 submitters: Likely benign (2). Last evaluated 2023-02-01.

Allele frequency attached by ClinVar (database versions not stated): ExAC 0.00001; gnomAD exomes 0.00001 and 0.00002.
gnomAD v4.1: 35 of 1,613,090 alleles (0.0022%); highest among the groups gnomAD compares: Non-Finnish European, 0.0027%; no homozygotes.

Submissions (2):

CeGaT Center for Human Genetics Tuebingen
Classification: Likely benign. Last evaluated: 2023-02-01. Review status: criteria provided, single submitter. Criteria: CeGaT Center For Human Genetics Tuebingen Variant Classification Criteria Version 2. Collection method: clinical testing. Allele origin: germline. Affected: yes. Observed: 1 variant allele.
Comment: TBCD: BP4, BP7

Labcorp Genetics (formerly Invitae), Labcorp
Classification: Likely benign. Last evaluated: 2018-08-14. Review status: criteria provided, single submitter. Criteria: Invitae Variant Classification Sherloc (09022015). Collection method: clinical testing. Allele origin: germline.